The following is an entry in ClinVar:

NM_031407.7(HUWE1):c.10006G>A (p.Val3336Ile)

Gene: HUWE1 (HECT, UBA and WWE domain containing E3 ubiquitin protein ligase 1; minus strand). Cytogenetic location: Xp11.22.
Variant type: single nucleotide variant.
Coding change: c.10006G>A on transcript NM_031407.7 (MANE Select); coding-DNA position 10006, G replaced by A.
Protein change: p.Val3336Ile; replaces valine 3336 with isoleucine.
Molecular consequence: missense variant.
Genome position (GRCh38, 1-based): chrX:53,548,988, C>T on the plus strand (G>A on the coding strand, the complement: HUWE1 is on the minus strand). VCF-style: chrX-53548988-C-T. GRCh37 (hg19) VCF-style: chrX-53575949-C-T.
Other names: short protein forms V3336I.
Identifiers: ClinVar variation 2853033 (VCV002853033.3), dbSNP rs2523209321, ClinGen allele CA413136961.

ClinVar aggregate classification (germline): Uncertain significance (1 of 4 stars; one submission).

Allele frequency attached by ClinVar (database versions not stated): gnomAD exomes below 0.00001.
gnomAD v4.1: 1 of 1,205,063 alleles (0.000083%); highest among the groups gnomAD compares: East Asian, 0.003%; no homozygotes.

Submission:

Labcorp Genetics (formerly Invitae), Labcorp
Classification: Uncertain significance. Last evaluated: 2024-02-05. Review status: criteria provided, single submitter. Criteria: Invitae Variant Classification Sherloc (09022015). Collection method: clinical testing. Allele origin: germline.
Comment: This sequence change replaces valine, which is neutral and non-polar, with isoleucine, which is neutral and non-polar, at codon 3336 of the HUWE1 protein (p.Val3336Ile). This variant is not present in population databases (gnomAD no frequency). This variant has not been reported in the literature in individuals affected with HUWE1-related conditions. Advanced modeling of protein sequence and biophysical properties (such as structural, functional, and spatial information, amino acid conservation, physicochemical variation, residue mobility, and thermodynamic stability) has been performed at Invitae for this missense variant, however the output from this modeling did not meet the statistical confidence thresholds required to predict the impact of this variant on HUWE1 protein function. In summary, the available evidence is currently insufficient to determine the role of this variant in disease. Therefore, it has been classified as a Variant of Uncertain Significance.